The following is an entry in ClinVar:

ClinVar aggregate classification (germline): Likely pathogenic. Review status: criteria provided, multiple submitters, no conflicts (2 of 4 stars). 2 submissions from 2 submitters: Likely pathogenic (2). Last evaluated 2025-04-20.

Conditions:
Autosomal recessive polycystic kidney disease (ARPKD). Also called: AR polycystic kidney disease. Identifiers: Orphanet 731, Orphanet 8378, MedGen C0085548, MeSH D017044, MONDO:0009889.
Polycystic kidney disease 4 (PKD4). Also called: POLYCYSTIC KIDNEY AND HEPATIC DISEASE 1; POLYCYSTIC KIDNEY DISEASE, INFANTILE, TYPE I; POLYCYSTIC KIDNEY DISEASE 4 WITH OR WITHOUT POLYCYSTIC LIVER DISEASE; PKD3; Autosomal Recessive Polycystic Kidney Disease – PKHD1. Identifiers: MedGen C4540575, MONDO:0033004, OMIM 263200.

Submissions (2):

Natera, Inc.
Classification: Likely pathogenic for Autosomal recessive polycystic kidney disease. Last evaluated: 2025-04-20. Review status: criteria provided, single submitter. Criteria: Natera Variant Classification Schema (03/2026). Collection method: clinical testing. Allele origin: germline.
Comment: The c.2592+2T>C variant in PKHD1 is a canonical splice donor site variant predicted to affect pre-mRNA splicing, which may result in an abnormal transcript and altered protein product. This variant is expected to result in nonsense mediated decay, truncation, or a dysfunctional protein product. This variant is rare in the general population with a frequency below the threshold expected for the associated phenotype(s). Given the available evidence, this variant is classified as Likely Pathogenic.

Fulgent Genetics
Classification: Likely pathogenic for Polycystic kidney disease 4. Last evaluated: 2024-04-03. Review status: criteria provided, single submitter. Criteria: ACMG Guidelines, 2015. Collection method: clinical testing. Allele origin: germline.

NM_138694.4(PKHD1):c.2592+2T>C

Gene: PKHD1 (PKHD1 ciliary IPT domain containing fibrocystin/polyductin; minus strand). Cytogenetic location: 6p12.2.
Variant type: single nucleotide variant.
Coding change: c.2592+2T>C on transcript NM_138694.4 (MANE Select); the canonical splice donor site of the intron after coding-DNA position 2592, T replaced by C.
Molecular consequence: splice donor variant.
Genome position (GRCh38, 1-based): chr6:52,046,002, A>G on the plus strand (T>C on the coding strand, the complement: PKHD1 is on the minus strand). VCF-style: chr6-52046002-A-G. GRCh37 (hg19) VCF-style: chr6-51910800-A-G.
Other names: c.2592+2T>C (NM_170724.3, NM_138694.3).
Identifiers: ClinVar variation 3593971 (VCV003593971.3).
Genomic context (GRCh38, chr6:52,046,002, plus strand): 5'-TTTTTTTGCAGAATTTCTCCAGGGCAGCAAATCCATGCCACTAGAAGGGATACTATACAT[A>G]CCCTGATAAAATTGGGCAAATCCCCAATCTGAGTGGACCAGGACAAGGTCCACACGTGTT-3'